The following is an entry in ClinVar:

ClinVar aggregate classification (germline): Likely pathogenic (1 of 4 stars; one submission).

Conditions:
Cardiomyopathy (CMYO). Also called: Cardiomyopathies. Identifiers: Orphanet 167848, MedGen C0878544, MONDO:0004994, HP:0001638. Inheritance: Various modes of inheritance.

Submission:

Women's Health and Genetics/Laboratory Corporation of America, LabCorp
Classification: Likely pathogenic for Cardiomyopathy. Last evaluated: 2022-06-09. Review status: criteria provided, single submitter. Criteria: LabCorp Variant Classification Summary - May 2015. Collection method: clinical testing. Allele origin: germline.
Comment: Variant summary: LMNA c.1845_1857del13 (p.Ala617ArgfsX77) causes a frameshift which results in an extension of the protein. This variant was expected to disrupt last 48 amino acids and replaced with 77 incorrect amino acids. The variant was absent in 248064 control chromosomes (gnomAD). To our knowledge, no occurrence of c.1845_1857del13 in individuals affected with Cardiomyopathy and no experimental evidence demonstrating its impact on protein function have been reported. No clinical diagnostic laboratories have submitted clinical-significance assessments for this variant to ClinVar after 2014. Based on the evidence outlined above, the variant was classified as likely pathogenic.

NM_170707.4(LMNA):c.1845_1857del (p.Ala617fs)

Gene: LMNA (lamin A/C; plus strand). Cytogenetic location: 1q22.
Variant type: Deletion.
Coding change: c.1845_1857del on transcript NM_170707.4 (MANE Select); coding-DNA positions 1845 to 1857, 13 bases deleted (TTCTGCCTCCAGT).
Protein change: p.Ala617fs; shifts the reading frame from alanine 617.
Molecular consequence: frameshift variant. On other transcripts: intron variant (1).
Genome position (GRCh38, 1-based): chr1:156,138,634-156,138,646, TTCTGCCTCCAGT deleted. VCF-style (leftmost placement, unchanged base first): chr1-156138633-CTTCTGCCTCCAGT-C. GRCh37 (hg19) VCF-style: chr1-156108424-CTTCTGCCTCCAGT-C.
Other names: c.1509_1521del, p.Ala505fs (NM_001257374.3); c.1755_1767del, p.Ala587fs (NM_170708.4); c.1818+27_1818+39del (NM_001282626.2); short protein forms A505fs, A587fs, A617fs.
Identifiers: ClinVar variation 1698537 (VCV001698537.1), dbSNP rs2102901937, ClinGen allele CA2580061156.